The following is an entry in ClinVar:

ClinVar aggregate classification (germline): Pathogenic (1 of 4 stars; one submission).

Conditions:
Waardenburg syndrome type 1 (WS1). Also called: WAARDENBURG SYNDROME WITH DYSTOPIA CANTHORUM; Waardenburg Syndrome Type I. Identifiers: Orphanet 894, MedGen C1847800, MONDO:0008670, OMIM 193500.

Submission:

Institute of Rare Diseases, West China Hospital, Sichuan University
Classification: Pathogenic for Waardenburg syndrome type 1. Last evaluated: 2025-01-09. Review status: criteria provided, single submitter. Criteria: ClinGen HL ACMG Specifications v1. Collection method: research. Allele origin: germline. Affected: yes.
Comment: PVS1;PP4;PM2_Supporting

NM_181458.4(PAX3):c.530del (p.Ala177fs)

Gene: PAX3 (paired box 3; minus strand). Cytogenetic location: 2q36.1.
Variant type: Deletion.
Coding change: c.530del on transcript NM_181458.4 (MANE Select); coding-DNA position 530, one base deleted (C; older notation c.530delC).
Protein change: p.Ala177fs; shifts the reading frame from alanine 177.
Molecular consequence: frameshift variant.
Genome position (GRCh38, 1-based): chr2:222,294,223, G deleted on the plus strand (C on the coding strand, the reverse complement: PAX3 is on the minus strand). VCF-style (leftmost placement, unchanged base first): chr2-222294222-TG-T. GRCh37 (hg19) VCF-style: chr2-223158941-TG-T.
Other names: c.527del, p.Ala176fs (NM_001127366.3); c.530del, p.Ala177fs (NM_013942.5, NM_181457.4, NM_181459.4 and 3 more transcripts); short protein forms A176fs, A177fs.
Identifiers: ClinVar variation 3601582 (VCV003601582.1).